The following is an entry in ClinVar:

ClinVar aggregate classification (germline): Pathogenic (1 of 4 stars; one submission).

Conditions:
Hereditary breast ovarian cancer syndrome. Also called: BRCA1- and BRCA2-Associated Hereditary Breast and Ovarian Cancer; Hereditary breast and/or ovarian cancer syndrome; Hereditary breast and ovarian cancer; Hereditary breast and ovarian cancer syndrome (HBOC); Breast and ovarian cancer; Hereditary breast and ovarian cancer syndrome. Identifiers: Orphanet 145, MedGen C0677776, MeSH D061325, MONDO:0003582. Disease mechanism: loss of function.

Submission:

Labcorp Genetics (formerly Invitae), Labcorp
Classification: Pathogenic for Hereditary breast ovarian cancer syndrome. Last evaluated: 2025-07-13. Review status: criteria provided, single submitter. Criteria: Invitae Variant Classification Sherloc (09022015). Collection method: clinical testing. Allele origin: germline.
Comment: This sequence change creates a premature translational stop signal (p.Ser1832Leufs*8) in the BRCA2 gene. It is expected to result in an absent or disrupted protein product. Loss-of-function variants in BRCA2 are known to be pathogenic (PMID: 20104584). This variant is not present in population databases (gnomAD no frequency). This premature translational stop signal has been observed in individual(s) with breast and/or ovarian cancer (PMID: 26852015, 29435039). ClinVar contains an entry for this variant (Variation ID: 2736002). For these reasons, this variant has been classified as Pathogenic.

Literature cited by the submitters: PubMed 20104584; PubMed 26852015; PubMed 29435039.

NM_000059.4(BRCA2):c.5495del (p.Ser1832fs)

Gene: BRCA2 (BRCA2 DNA repair associated; plus strand). Cytogenetic location: 13q13.1.
Variant type: Deletion.
Coding change: c.5495del on transcript NM_000059.4 (MANE Select); coding-DNA position 5495, one base deleted (C; older notation c.5495delC).
Protein change: p.Ser1832fs; shifts the reading frame from serine 1832.
Molecular consequence: frameshift variant.
Genome position (GRCh38, 1-based): chr13:32,339,850, C deleted. VCF-style (leftmost placement, unchanged base first): chr13-32339849-TC-T. GRCh37 (hg19) VCF-style: chr13-32913986-TC-T.
Other names: short protein forms S1832fs.
Identifiers: ClinVar variation 2736002 (VCV002736002.3), dbSNP rs1566232574, ClinGen allele CA919242530.
Genomic context (GRCh38, chr13:32,339,849, plus strand): 5'-GAACTTGTGACTAGCTCTTCACCCTGCAAAAATAAAAATGCAGCCATTAAATTGTCCATA[TC>T]TAATAGTAATAATTTTGAGGTAGGGCCACCTGCATTTAGGATAGCCAGTGGTAAAATCGT-3'